The following is an entry in ClinVar:

NM_004415.4(DSP):c.394G>A (p.Gly132Ser)

Gene: DSP (desmoplakin; plus strand). Cytogenetic location: 6p24.3.
Variant type: single nucleotide variant.
Coding change: c.394G>A on transcript NM_004415.4 (MANE Select); coding-DNA position 394, G replaced by A.
Protein change: p.Gly132Ser; replaces glycine 132 with serine.
Molecular consequence: missense variant.
Genome position (GRCh38, 1-based): chr6:7,558,236, G>A. VCF-style: chr6-7558236-G-A. GRCh37 (hg19) VCF-style: chr6-7558469-G-A.
Other names: c.394G>A (LRG_423t1); c.394G>A, p.Gly132Ser (NM_001008844.3, NM_001319034.2); short protein forms G132S.
Identifiers: ClinVar variation 423680 (VCV000423680.8), dbSNP rs1064796573, ClinGen allele CA16618311.

ClinVar aggregate classification (germline): Uncertain significance. Review status: criteria provided, multiple submitters, no conflicts (2 of 4 stars). 3 submissions from 3 submitters: Uncertain significance (3). Last evaluated 2023-05-16.

Conditions:
Arrhythmogenic cardiomyopathy with wooly hair and keratoderma. Also called: Carvajal syndrome; Dilated cardiomyopathy with woolly hair and keratoderma; Arrhythmogenic cardiomyopathy with woolly hair and keratoderma; PALMOPLANTAR KERATODERMA WITH LEFT VENTRICULAR CARDIOMYOPATHY AND WOOLLY HAIR. Identifiers: Orphanet 65282, MedGen C1854063, MONDO:0011581, OMIM 605676.
Arrhythmogenic right ventricular dysplasia 8 (ARVD8). Also called: ARRHYTHMOGENIC RIGHT VENTRICULAR DYSPLASIA, FAMILIAL, 8; ARRHYTHMOGENIC RIGHT VENTRICULAR CARDIOMYOPATHY 8; Arrhythmogenic Right Ventricular Dysplasia/Cardiomyopathy 8. Identifiers: MedGen C1843896, MONDO:0011831, OMIM 607450.

Allele frequency attached by ClinVar (database versions not stated): gnomAD exomes below 0.00001.
gnomAD v4.1: 1 of 1,614,174 alleles (0.000062%); highest among the groups gnomAD compares: Non-Finnish European, 0.000085%; no homozygotes.

Submissions (3):

All of Us Research Program, National Institutes of Health
Classification: Uncertain significance for Arrhythmogenic cardiomyopathy with wooly hair and keratoderma. Last evaluated: 2023-05-16. Review status: criteria provided, single submitter. Criteria: ACMG Guidelines, 2015. Collection method: clinical testing. Allele origin: germline. Inheritance: Autosomal dominant inheritance. Observed: 1 variant allele, 1 heterozygote.
Comment: This missense variant replaces glycine with serine at codon 132 of the DSP protein. Computational prediction suggests that this variant may not impact protein structure and function (internally defined REVEL score threshold <= 0.5, PMID: 27666373). To our knowledge, functional studies have not been reported for this variant. This variant has not been reported in individuals affected with DSP-related disorders in the literature. This variant has been identified in 1/251384 chromosomes in the general population by the Genome Aggregation Database (gnomAD). The available evidence is insufficient to determine the role of this variant in disease conclusively. Therefore, this variant is classified as a Variant of Uncertain Significance.

This study involves interpretation of variants in research participants for the purpose of population health screening. Participant phenotype was not available at the time of variant classification. Additional details can be found in publication PMID: 35346344, PMCID: PMC8962531

Labcorp Genetics (formerly Invitae), Labcorp
Classification: Uncertain significance for Arrhythmogenic cardiomyopathy with wooly hair and keratoderma; Arrhythmogenic right ventricular dysplasia 8. Last evaluated: 2022-09-15. Review status: criteria provided, single submitter. Criteria: Invitae Variant Classification Sherloc (09022015). Collection method: clinical testing. Allele origin: germline.
Comment: This variant has not been reported in the literature in individuals affected with DSP-related conditions. ClinVar contains an entry for this variant (Variation ID: 423680). Algorithms developed to predict the effect of missense changes on protein structure and function are either unavailable or do not agree on the potential impact of this missense change (SIFT: "Deleterious"; PolyPhen-2: "Benign"; Align-GVGD: "Class C0"). In summary, the available evidence is currently insufficient to determine the role of this variant in disease. Therefore, it has been classified as a Variant of Uncertain Significance. This variant is present in population databases (no rsID available, gnomAD 0.0009%). This sequence change replaces glycine, which is neutral and non-polar, with serine, which is neutral and polar, at codon 132 of the DSP protein (p.Gly132Ser).

GeneDx
Classification: Uncertain significance. Last evaluated: 2017-02-23. Review status: criteria provided, single submitter. Criteria: GeneDx Variant Classification (06012015). Collection method: clinical testing. Allele origin: germline. Affected: yes.
Comment: The G132S variant of uncertain significance in the DSP gene has not been published as pathogenic or been reported as benign to our knowledge. G132S is not observed in large population cohorts (Lek et al., 2016; 1000 Genomes Consortium et al., 2015; Exome Variant Server). The G132S variant is a non-conservative amino acid substitution, which is likely to impact secondary protein structure as these residues differ in polarity, charge, size and/or other properties. Moreover, this substitution occurs at a position that is conserved across species, and in silico analysis predicts this variant is probably damaging to the protein structure/function. Nevertheless, no pathogenic missense variants in nearby residues have been reported in the Human Gene Mutation Database (Stenson et al., 2014), indicating that this region of the gene is not known to harbor disease-causing variants.